The following is an entry in ClinVar:

ClinVar aggregate classification (germline): Pathogenic/Likely pathogenic. Review status: criteria provided, multiple submitters, no conflicts (2 of 4 stars). 2 submissions from 2 submitters: Pathogenic (1); Likely pathogenic (1). Last evaluated 2023-02-06.

Conditions:
Dystonic disorder. Also called: Dystonia. Identifiers: MedGen C0013421, MONDO:0003441, HP:0001332.

Allele frequency attached by ClinVar (database versions not stated): gnomAD exomes below 0.00001; ExAC 0.00001; ESP Exome Variant Server 0.00008.

Submissions (2):

GeneDx
Classification: Likely pathogenic. Last evaluated: 2023-02-06. Review status: criteria provided, single submitter. Criteria: GeneDx Variant Classification Process June 2021. Collection method: clinical testing. Allele origin: germline. Affected: yes.
Comment: Nonsense variant predicted to result in protein truncation, as the last 32 amino acids are lost, and other loss-of-function variants have been reported downstream in HGMD; Not observed at significant frequency in large population cohorts (gnomAD); This variant is associated with the following publications: (PMID: 22522443)

Labcorp Genetics (formerly Invitae), Labcorp
Classification: Pathogenic for Dystonic disorder. Last evaluated: 2022-06-07. Review status: criteria provided, single submitter. Criteria: Invitae Variant Classification Sherloc (09022015). Collection method: clinical testing. Allele origin: germline.
Comment: This variant disrupts a region of the SPR protein in which other variant(s) (p.Lys251*) have been determined to be pathogenic (PMID: 16917893, 18502672, 21431957, 21677200, 24212389, 25763508, 29116116). This suggests that this is a clinically significant region of the protein, and that variants that disrupt it are likely to be disease-causing. This premature translational stop signal has been observed in individual(s) with SPR-related conditions (PMID: 22522443). This variant is present in population databases (rs375730088, gnomAD 0.0009%). This sequence change creates a premature translational stop signal (p.Lys230*) in the SPR gene. While this is not anticipated to result in nonsense mediated decay, it is expected to disrupt the last 32 amino acid(s) of the SPR protein. For these reasons, this variant has been classified as Pathogenic.

Literature cited by the submitters: PubMed 16917893 (cited by Labcorp Genetics (formerly Invitae), Labcorp); PubMed 18502672 (cited by Labcorp Genetics (formerly Invitae), Labcorp); PubMed 21431957 (cited by Labcorp Genetics (formerly Invitae), Labcorp); PubMed 21677200 (cited by Labcorp Genetics (formerly Invitae), Labcorp); PubMed 24212389 (cited by Labcorp Genetics (formerly Invitae), Labcorp); PubMed 25763508 (cited by Labcorp Genetics (formerly Invitae), Labcorp); PubMed 29116116 (cited by Labcorp Genetics (formerly Invitae), Labcorp); PubMed 22522443 (cited by Labcorp Genetics (formerly Invitae), Labcorp).

NM_003124.5(SPR):c.688A>T (p.Lys230Ter)

Gene: SPR (sepiapterin reductase; plus strand). Cytogenetic location: 2p13.2.
Variant type: single nucleotide variant.
Coding change: c.688A>T on transcript NM_003124.5 (MANE Select); coding-DNA position 688, A replaced by T.
Protein change: p.Lys230Ter; replaces lysine 230 with a stop codon.
Molecular consequence: nonsense.
Genome position (GRCh38, 1-based): chr2:72,891,439, A>T. VCF-style: chr2-72891439-A-T. GRCh37 (hg19) VCF-style: chr2-73118568-A-T.
Other names: c.688A>T (NM_003124.4); short protein forms K230*.
Identifiers: ClinVar variation 2197705 (VCV002197705.5), dbSNP rs375730088, ClinGen allele CA1709020.